The following is an entry in ClinVar:

NM_017934.7(PHIP):c.2023A>G (p.Ile675Val)

Gene: PHIP (PHIP subunit of CUL4-Ring ligase complex; minus strand). Cytogenetic location: 6q14.1.
Variant type: single nucleotide variant.
Coding change: c.2023A>G on transcript NM_017934.7 (MANE Select); coding-DNA position 2023, A replaced by G.
Protein change: p.Ile675Val; replaces isoleucine 675 with valine.
Molecular consequence: missense variant.
Genome position (GRCh38, 1-based): chr6:78,997,592, T>C on the plus strand (A>G on the coding strand, the complement: PHIP is on the minus strand). VCF-style: chr6-78997592-T-C. GRCh37 (hg19) VCF-style: chr6-79707309-T-C.
Other names: short protein forms I675V.
Identifiers: ClinVar variation 4987078 (VCV004987078.1).

ClinVar aggregate classification (germline): Uncertain significance (1 of 4 stars; one submission).

Conditions:
PHIP-related disorder. Also called: PHIP-related disorders; PHIP-related condition.

gnomAD v4.1: 14 of 1,612,148 alleles (0.00087%); highest among the groups gnomAD compares: African/African-American, 0.0027%; no homozygotes.

Submission:

PreventionGenetics, part of Exact Sciences
Classification: Uncertain significance for PHIP-related condition. Last evaluated: 2025-04-30. Review status: criteria provided, single submitter. Criteria: ACMG Guidelines, 2015. Collection method: clinical testing. Allele origin: germline.
Comment: The PHIP c.2023A>G variant is predicted to result in the amino acid substitution p.Ile675Val. To our knowledge, this variant has not been reported in the literature. This variant is reported in 0.0080% of alleles in individuals of European (Finnish) descent in gnomAD. At this time, the clinical significance of this variant is uncertain due to the absence of conclusive functional and genetic evidence.